The following is an entry in ClinVar:

NM_000432.4(MYL2):c.356T>A (p.Val119Asp)

Gene: MYL2 (myosin light chain 2; minus strand). Cytogenetic location: 12q24.11.
Variant type: single nucleotide variant.
Coding change: c.356T>A on transcript NM_000432.4 (MANE Select); coding-DNA position 356, T replaced by A.
Protein change: p.Val119Asp; replaces valine 119 with aspartic acid.
Molecular consequence: missense variant.
Genome position (GRCh38, 1-based): chr12:110,913,142, A>T on the plus strand (T>A on the coding strand, the complement: MYL2 is on the minus strand). VCF-style: chr12-110913142-A-T. GRCh37 (hg19) VCF-style: chr12-111350946-A-T.
Other names: short protein forms V119D.
Identifiers: ClinVar variation 1434295 (VCV001434295.6), dbSNP rs2136770460, ClinGen allele CA386697808.

ClinVar aggregate classification (germline): Uncertain significance (1 of 4 stars; one submission).

Conditions:
Hypertrophic cardiomyopathy 10. Also called: MYL2-Related Familial Hypertrophic Cardiomyopathy; CARDIOMYOPATHY, HYPERTROPHIC, MID-LEFT VENTRICULAR CHAMBER TYPE, 2. Identifiers: MedGen C1834460, MONDO:0012112, OMIM 608758.

Submission:

Labcorp Genetics (formerly Invitae), Labcorp
Classification: Uncertain significance for Hypertrophic cardiomyopathy 10. Last evaluated: 2021-08-10. Review status: criteria provided, single submitter. Criteria: Invitae Variant Classification Sherloc (09022015). Collection method: clinical testing. Allele origin: germline.
Comment: This sequence change replaces valine with aspartic acid at codon 119 of the MYL2 protein (p.Val119Asp). The valine residue is weakly conserved and there is a large physicochemical difference between valine and aspartic acid. This variant is not present in population databases (ExAC no frequency). This variant has not been reported in the literature in individuals affected with MYL2-related conditions. Algorithms developed to predict the effect of missense changes on protein structure and function are either unavailable or do not agree on the potential impact of this missense change (SIFT: "Deleterious"; PolyPhen-2: "Possibly Damaging"; Align-GVGD: "Class C0"). In summary, the available evidence is currently insufficient to determine the role of this variant in disease. Therefore, it has been classified as a Variant of Uncertain Significance.